The following is an entry in ClinVar:

NM_001184880.2(PCDH19):c.1973_1999del (p.Val658_Leu666del)

Gene: PCDH19 (protocadherin 19; minus strand). Cytogenetic location: Xq22.1.
Variant type: Deletion.
Coding change: c.1973_1999del on transcript NM_001184880.2 (MANE Select); coding-DNA positions 1973 to 1999, 27 bases deleted (TCCTAATCTACTTGTCCCCTGCTCTCG).
Protein change: p.Val658_Leu666del.
Molecular consequence: inframe deletion.
Genome position (GRCh38, 1-based): chrX:100,406,599-100,406,625, CGAGAGCAGGGGACAAGTAGATTAGGA deleted on the plus strand (TCCTAATCTACTTGTCCCCTGCTCTCG on the coding strand, the reverse complement: PCDH19 is on the minus strand); deleting any 27 consecutive bases within chrX:100,406,599-100,406,634 gives the same sequence; the c. name uses the placement nearest the transcript's 3' end. VCF-style (leftmost placement, unchanged base first): chrX-100406598-TCGAGAGCAGGGGACAAGTAGATTAGGA-T. GRCh37 (hg19) VCF-style: chrX-99661596-TCGAGAGCAGGGGACAAGTAGATTAGGA-T.
Other names: c.1973_1999del, p.Val658_Leu666del (NM_001105243.2, NM_020766.3).
Identifiers: ClinVar variation 2821983 (VCV002821983.3), dbSNP rs2520976290, ClinGen allele CA2739273660.

ClinVar aggregate classification (germline): Uncertain significance (1 of 4 stars; one submission).

Conditions:
Developmental and epileptic encephalopathy, 9 (DEE9). Also called: Early infantile epileptic encephalopathy 9; JUBERG-HELLMAN SYNDROME; PCDH19-Related X-Linked Female-Limited Epilepsy with Mental Retardation; EPILEPSY, FEMALE-RESTRICTED, WITH MENTAL RETARDATION. Identifiers: Orphanet 101039, Orphanet 2076, MedGen C1848137, MONDO:0010246, OMIM 300088. Disease mechanism: loss of function.

Submission:

Labcorp Genetics (formerly Invitae), Labcorp
Classification: Uncertain significance for Developmental and epileptic encephalopathy, 9. Last evaluated: 2022-12-18. Review status: criteria provided, single submitter. Criteria: Invitae Variant Classification Sherloc (09022015). Collection method: clinical testing. Allele origin: germline.
Comment: This variant, c.1973_1999del, results in the deletion of 9 amino acid(s) of the PCDH19 protein (p.Val658_Leu666del), but otherwise preserves the integrity of the reading frame. This variant is not present in population databases (gnomAD no frequency). This variant has been observed in individual(s) with clinical features of epileptic encephalopathy with cerebellar atrophy (Invitae). Experimental studies and prediction algorithms are not available or were not evaluated, and the functional significance of this variant is currently unknown. In summary, the available evidence is currently insufficient to determine the role of this variant in disease. Therefore, it has been classified as a Variant of Uncertain Significance.